The following is an entry in ClinVar:

ClinVar aggregate classification (germline): Uncertain significance (1 of 4 stars; one submission).

Allele frequency attached by ClinVar (database versions not stated): gnomAD exomes below 0.00001.
gnomAD v4.1: 1 of 1,613,982 alleles (0.000062%); highest among the groups gnomAD compares: Non-Finnish European, 0.000085%; no homozygotes.

Submission:

Labcorp Genetics (formerly Invitae), Labcorp
Classification: Uncertain significance. Last evaluated: 2022-04-07. Review status: criteria provided, single submitter. Criteria: Invitae Variant Classification Sherloc (09022015). Collection method: clinical testing. Allele origin: germline.
Comment: This sequence change replaces aspartic acid, which is acidic and polar, with asparagine, which is neutral and polar, at codon 2305 of the FAT4 protein (p.Asp2305Asn). This variant is not present in population databases (gnomAD no frequency). This variant has not been reported in the literature in individuals affected with FAT4-related conditions. Advanced modeling of protein sequence and biophysical properties (such as structural, functional, and spatial information, amino acid conservation, physicochemical variation, residue mobility, and thermodynamic stability) performed at Invitae indicates that this missense variant is not expected to disrupt FAT4 protein function. In summary, the available evidence is currently insufficient to determine the role of this variant in disease. Therefore, it has been classified as a Variant of Uncertain Significance.

NM_001291303.3(FAT4):c.6913G>A (p.Asp2305Asn)

Gene: FAT4 (FAT atypical cadherin 4; plus strand). Cytogenetic location: 4q28.1.
Variant type: single nucleotide variant.
Coding change: c.6913G>A on transcript NM_001291303.3 (MANE Select); coding-DNA position 6913, G replaced by A.
Protein change: p.Asp2305Asn; replaces aspartic acid 2305 with asparagine.
Molecular consequence: missense variant.
Genome position (GRCh38, 1-based): chr4:125,416,517, G>A. VCF-style: chr4-125416517-G-A. GRCh37 (hg19) VCF-style: chr4-126337672-G-A.
Other names: c.6913G>A, p.Asp2305Asn (NM_001291285.3, NM_024582.6); short protein forms D2305N.
Identifiers: ClinVar variation 1977155 (VCV001977155.5), dbSNP rs2530787270, ClinGen allele CA358131546.